The following is an entry in ClinVar:

ClinVar aggregate classification (germline): Uncertain significance (1 of 4 stars; one submission).

Conditions:
Hereditary cancer-predisposing syndrome. Also called: Hereditary Cancer Syndrome; Neoplastic Syndromes, Hereditary; Tumor predisposition; Hereditary neoplastic syndrome. Identifiers: Orphanet 140162, MedGen C0027672, MeSH D009386, MONDO:0015356.

Submission:

Labcorp Genetics (formerly Invitae), Labcorp
Classification: Uncertain significance for Hereditary cancer-predisposing syndrome. Last evaluated: 2025-10-20. Review status: criteria provided, single submitter. Criteria: Invitae Variant Classification Sherloc (09022015). Collection method: clinical testing. Allele origin: germline.
Comment: This sequence change replaces lysine, which is basic and polar, with methionine, which is neutral and non-polar, at codon 1059 of the RAD50 protein (p.Lys1059Met). This variant is not present in population databases (gnomAD no frequency). This variant has not been reported in the literature in individuals affected with RAD50-related conditions. ClinVar contains an entry for this variant (Variation ID: 3010899). Invitae Evidence Modeling of protein sequence and biophysical properties (such as structural, functional, and spatial information, amino acid conservation, physicochemical variation, residue mobility, and thermodynamic stability) indicates that this missense variant is not expected to disrupt RAD50 protein function with a negative predictive value of 80%. In summary, the available evidence is currently insufficient to determine the role of this variant in disease. Therefore, it has been classified as a Variant of Uncertain Significance.

NM_005732.4(RAD50):c.3176A>T (p.Lys1059Met)

Gene: RAD50 (RAD50 double strand break repair protein; plus strand). Cytogenetic location: 5q31.1.
Variant type: single nucleotide variant.
Coding change: c.3176A>T on transcript NM_005732.4 (MANE Select); coding-DNA position 3176, A replaced by T.
Protein change: p.Lys1059Met; replaces lysine 1059 with methionine.
Molecular consequence: missense variant.
Genome position (GRCh38, 1-based): chr5:132,618,081, A>T. VCF-style: chr5-132618081-A-T. GRCh37 (hg19) VCF-style: chr5-131953773-A-T.
Other names: short protein forms K1059M.
Identifiers: ClinVar variation 3010899 (VCV003010899.3), dbSNP rs770062633, ClinGen allele CA360964214.